The following is an entry in ClinVar:

NM_153006.3(NAGS):c.361C>A (p.Arg121Ser)

Gene: NAGS (N-acetylglutamate synthase; plus strand). Cytogenetic location: 17q21.31.
Variant type: single nucleotide variant.
Coding change: c.361C>A on transcript NM_153006.3 (MANE Select); coding-DNA position 361, C replaced by A.
Protein change: p.Arg121Ser; replaces arginine 121 with serine.
Molecular consequence: missense variant.
Genome position (GRCh38, 1-based): chr17:44,005,024, C>A. VCF-style: chr17-44005024-C-A. GRCh37 (hg19) VCF-style: chr17-42082392-C-A.
Other names: short protein forms R121S.
Identifiers: ClinVar variation 1524081 (VCV001524081.8), dbSNP rs1024501740, ClinGen allele CA399737724.

ClinVar aggregate classification (germline): Uncertain significance (1 of 4 stars; one submission).

Conditions:
Hyperammonemia, type III (NAGSD). Also called: Hyperammonemia due to N-acetylglutamate synthase deficiency. Identifiers: Orphanet 927, MedGen C0268543, MONDO:0009377, OMIM 237310.

Submission:

Labcorp Genetics (formerly Invitae), Labcorp
Classification: Uncertain significance for Hyperammonemia, type III. Last evaluated: 2020-10-30. Review status: criteria provided, single submitter. Criteria: Invitae Variant Classification Sherloc (09022015). Collection method: clinical testing. Allele origin: germline.
Comment: This sequence change replaces arginine with serine at codon 121 of the NAGS protein (p.Arg121Ser). The arginine residue is highly conserved and there is a moderate physicochemical difference between arginine and serine. The frequency data for this variant in the population databases is considered unreliable, as metrics indicate insufficient coverage at this position in the ExAC database. This variant has not been reported in the literature in individuals with NAGS-related conditions. Algorithms developed to predict the effect of missense changes on protein structure and function are either unavailable or do not agree on the potential impact of this missense change (SIFT: "Deleterious"; PolyPhen-2: "Possibly Damaging"; Align-GVGD: "Class C0"). In summary, the available evidence is currently insufficient to determine the role of this variant in disease. Therefore, it has been classified as a Variant of Uncertain Significance.